The following is an entry in ClinVar:

NM_004614.5(TK2):c.635T>A (p.Ile212Asn)

Gene: TK2 (thymidine kinase 2; minus strand). Cytogenetic location: 16q21.
Variant type: single nucleotide variant.
Coding change: c.635T>A on transcript NM_004614.5 (MANE Select); coding-DNA position 635, T replaced by A.
Protein change: p.Ile212Asn; replaces isoleucine 212 with asparagine.
Molecular consequence: missense variant. On other transcripts: non-coding transcript variant (1).
Genome position (GRCh38, 1-based): chr16:66,513,795, A>T on the plus strand (T>A on the coding strand, the complement: TK2 is on the minus strand). VCF-style: chr16-66513795-A-T. GRCh37 (hg19) VCF-style: chr16-66547698-A-T.
Other names: c.542T>A, p.Ile181Asn (NM_001172643.1); c.560T>A, p.Ile187Asn (NM_001172644.2); c.581T>A, p.Ile194Asn (NM_001172645.2); c.488T>A, p.Ile163Asn (NM_001271934.2); c.373T>A, p.Phe125Ile (NM_001271935.1); c.344T>A, p.Ile115Asn (NM_001272050.2); short protein forms I212N, I181N, I187N, F125I, I115N, I163N, I194N.
Identifiers: ClinVar variation 12709 (VCV000012709.9), dbSNP rs137854430, ClinGen allele CA341231.

ClinVar aggregate classification (germline): Pathogenic. Review status: criteria provided, multiple submitters, no conflicts (2 of 4 stars). 3 submissions from 3 submitters: Pathogenic (2). 1 of the submissions does not count toward it. Last evaluated 2025-11-24.

Conditions:
Mitochondrial disease. Also called: Mitochondrial disorder; Mitochondrial disorders. Identifiers: Orphanet 68380, MedGen C0751651, MeSH D028361, MONDO:0044970.
Mitochondrial DNA depletion syndrome, myopathic form (MTDPS2). Also called: MITOCHONDRIAL DNA DEPLETION MYOPATHY, TK2-RELATED; TK2-Related Mitochondrial DNA Maintenance Defect, Myopathic Form; MITOCHONDRIAL DNA DEPLETION SYNDROME 2 (MYOPATHIC TYPE). Identifiers: Orphanet 254875, MedGen C3149750, MONDO:0012301, OMIM 609560.

Submissions (3):

Genomenon, Inc
Classification: Pathogenic for Mitochondrial disease. Last evaluated: 2025-11-24. Review status: criteria provided, single submitter. Criteria: Genomenon Sequence Variant Interpretation Standards - Updated. Collection method: curation. Allele origin: germline. Affected: yes.
Comment: TK2 p.Ile212Asn (c.635T>A) is a missense variant that changes the amino acid at residue 212 from Isoleucine to Asparagine. It is also described as I254N and Ile181Asn in the literature. This variant has been observed in multiple probands affected with mitochondrial disease in both the homozygous and compound heterozygous state, with a pathogenic or likely pathogenic variant confirmed in trans in at least one proband (11687801, 19815440, 23932787). Experimental studies have shown that this variant results in a significant reduction in catalytic activity compared to the wild type (12493767). This variant is not present at a significant frequency in gnomAD and in silico models agree that this variant is possibly or probably damaging. In conclusion, we classify TK2 p.Ile212Asn (c.635T>A) as a pathogenic variant.

Labcorp Genetics (formerly Invitae), Labcorp
Classification: Pathogenic. Last evaluated: 2024-08-26. Review status: criteria provided, single submitter. Criteria: Invitae Variant Classification Sherloc (09022015). Collection method: clinical testing. Allele origin: germline.
Comment: This sequence change replaces isoleucine, which is neutral and non-polar, with asparagine, which is neutral and polar, at codon 212 of the TK2 protein (p.Ile212Asn). This variant is not present in population databases (gnomAD no frequency). This missense change has been observed in individuals with mitochondrial DNA depletion syndrome (PMID: 11687801, 16908738, 29602790). ClinVar contains an entry for this variant (Variation ID: 12709). Invitae Evidence Modeling of protein sequence and biophysical properties (such as structural, functional, and spatial information, amino acid conservation, physicochemical variation, residue mobility, and thermodynamic stability) indicates that this missense variant is expected to disrupt TK2 protein function with a positive predictive value of 80%. For these reasons, this variant has been classified as Pathogenic.

OMIM
Classification: Pathogenic for MITOCHONDRIAL DNA DEPLETION SYNDROME 2 (MYOPATHIC TYPE). Last evaluated: 2012-02-28. Review status: no assertion criteria provided. Collection method: literature only. Allele origin: germline. Not counted in ClinVar's aggregate classification.

Literature cited by the submitters: PubMed 11687801 (cited by 3 submitters); PubMed 19815440 (cited by Genomenon, Inc); PubMed 23932787 (cited by Genomenon, Inc); PubMed 12493767 (cited by Genomenon, Inc and OMIM); PubMed 16908738 (cited by Labcorp Genetics (formerly Invitae), Labcorp); PubMed 29602790 (cited by Labcorp Genetics (formerly Invitae), Labcorp); PubMed 22345218 (cited by OMIM).